The following is an entry in ClinVar:

ClinVar aggregate classification (germline): Uncertain significance (1 of 4 stars; one submission).

Submission:

Labcorp Genetics (formerly Invitae), Labcorp
Classification: Uncertain significance. Last evaluated: 2023-08-06. Review status: criteria provided, single submitter. Criteria: Invitae Variant Classification Sherloc (09022015). Collection method: clinical testing. Allele origin: germline.
Comment: In summary, the available evidence is currently insufficient to determine the role of this variant in disease. Therefore, it has been classified as a Variant of Uncertain Significance. An algorithm developed to predict the effect of missense changes on protein structure and function (PolyPhen-2) suggests that this variant is likely to be tolerated. This variant has not been reported in the literature in individuals affected with RPL19-related conditions. This variant is not present in population databases (gnomAD no frequency). This sequence change replaces threonine, which is neutral and polar, with isoleucine, which is neutral and non-polar, at codon 67 of the RPL19 protein (p.Thr67Ile).

NM_000981.4(RPL19):c.200C>T (p.Thr67Ile)

Gene: RPL19 (ribosomal protein L19; plus strand). Cytogenetic location: 17q12.
Variant type: single nucleotide variant.
Coding change: c.200C>T on transcript NM_000981.4 (MANE Select); coding-DNA position 200, C replaced by T.
Protein change: p.Thr67Ile; replaces threonine 67 with isoleucine.
Molecular consequence: missense variant.
Genome position (GRCh38, 1-based): chr17:39,202,404, C>T. VCF-style: chr17-39202404-C-T. GRCh37 (hg19) VCF-style: chr17-37358657-C-T.
Other names: c.194C>T, p.Thr65Ile (NM_001330200.1); short protein forms T65I, T67I.
Identifiers: ClinVar variation 2900008 (VCV002900008.3), dbSNP rs2509310839, ClinGen allele CA398835569.